The following is an entry in ClinVar:

NM_001164508.2(NEB):c.11025G>A (p.Thr3675=)

Gene: NEB (nebulin; minus strand). Cytogenetic location: 2q23.3.
Variant type: single nucleotide variant.
Coding change: c.11025G>A on transcript NM_001164508.2 (MANE Select); coding-DNA position 11025, G replaced by A.
Protein change: p.Thr3675=; no amino-acid change (threonine 3675 retained).
Molecular consequence: synonymous variant.
Genome position (GRCh38, 1-based): chr2:151,618,326, C>T on the plus strand (G>A on the coding strand, the complement: NEB is on the minus strand). VCF-style: chr2-151618326-C-T. GRCh37 (hg19) VCF-style: chr2-152474840-C-T.
Other names: c.11025G>A, p.Thr3675= (NM_001164507.2, NM_001271208.2); c.10296G>A, p.Thr3432= (NM_004543.5).
Identifiers: ClinVar variation 331478 (VCV000331478.21), dbSNP rs199789085, ClinGen allele CA1908895.

ClinVar aggregate classification (germline): Conflicting classifications of pathogenicity. Review status: criteria provided, conflicting classifications (1 of 4 stars). 7 submissions from 7 submitters: Uncertain significance (1); Likely benign (4). 2 of the submissions do not count toward it. Last evaluated 2025-12-29.

Conditions:
NEB-related disorder. Also called: NEB-related condition; NEB-Related Disorders.
Nemaline myopathy 2 (NEM2). Also called: Nemaline myopathy 2, autosomal recessive. Identifiers: MedGen C1850569, MONDO:0009725, OMIM 256030.

Allele frequency attached by ClinVar (database versions not stated): gnomAD 0.00005 and 0.00011; gnomAD exomes 0.00007 and 0.00021; TOPMed 0.00009; ExAC 0.00022; 1000 Genomes Project 30x 0.00047; 1000 Genomes Project 0.00060.
gnomAD v4.1: 127 of 1,613,894 alleles (0.0079%); highest among the groups gnomAD compares: East Asian, 0.15%; no homozygotes.

Submissions (7):

Labcorp Genetics (formerly Invitae), Labcorp
Classification: Likely benign for Nemaline myopathy 2. Last evaluated: 2025-12-29. Review status: criteria provided, single submitter. Criteria: Invitae Variant Classification Sherloc (09022015). Collection method: clinical testing. Allele origin: germline.

Blueprint Genetics
Classification: Likely benign. Last evaluated: 2023-12-27. Review status: criteria provided, single submitter. Criteria: ACMG Guidelines, 2015. Collection method: clinical testing. Allele origin: germline.

GeneDx
Classification: Likely benign. Last evaluated: 2019-07-03. Review status: criteria provided, single submitter. Criteria: GeneDx Variant Classification Process June 2021. Collection method: clinical testing. Allele origin: germline. Affected: yes.

Illumina Laboratory Services, Illumina
Classification: Uncertain significance for Nemaline myopathy 2. Last evaluated: 2018-01-13. Review status: criteria provided, single submitter. Criteria: ICSL Variant Classification Criteria 13 December 2019. Collection method: clinical testing. Allele origin: germline.

Athena Diagnostics
Classification: Likely benign. Last evaluated: 2017-02-03. Review status: criteria provided, single submitter. Criteria: Athena Diagnostics Criteria. Collection method: clinical testing. Allele origin: germline.

PreventionGenetics, part of Exact Sciences
Classification: Likely benign for NEB-related condition. Last evaluated: 2024-08-05. Review status: no assertion criteria provided. Collection method: clinical testing. Allele origin: germline. Not counted in ClinVar's aggregate classification.
Comment: This variant is classified as likely benign based on ACMG/AMP sequence variant interpretation guidelines (Richards et al. 2015 PMID: 25741868, with internal and published modifications).

Natera, Inc.
Classification: Uncertain significance for Nemaline myopathy type 2. Last evaluated: 2020-01-17. Review status: no assertion criteria provided. Collection method: clinical testing. Allele origin: germline. Not counted in ClinVar's aggregate classification.